The following is an entry in ClinVar:

NM_001370259.2(MEN1):c.873C>T (p.Pro291=)

Gene: MEN1 (menin 1; minus strand). Cytogenetic location: 11q13.1.
Variant type: single nucleotide variant.
Coding change: c.873C>T on transcript NM_001370259.2 (MANE Select); coding-DNA position 873, C replaced by T.
Protein change: p.Pro291=; no amino-acid change (proline 291 retained).
Molecular consequence: synonymous variant. On other transcripts: non-coding transcript variant (4).
Genome position (GRCh38, 1-based): chr11:64,807,050, G>A on the plus strand (C>T on the coding strand, the complement: MEN1 is on the minus strand). VCF-style: chr11-64807050-G-A. GRCh37 (hg19) VCF-style: chr11-64574522-G-A.
Other names: c.888C>T, p.Pro296= (NM_000244.4, NM_001407145.1, NM_001407150.1 and 5 more transcripts); c.873C>T, p.Pro291= (NM_001370251.2, NM_001370260.2, NM_001370261.2 and 7 more transcripts); c.768C>T, p.Pro256= (NM_001370262.2, NM_001370263.2, NM_001407148.1 and 2 more transcripts).
Identifiers: ClinVar variation 2749204 (VCV002749204.4), dbSNP rs2497187428, ClinGen allele CA474983584.

ClinVar aggregate classification (germline): Benign/Likely benign. Review status: criteria provided, multiple submitters, no conflicts (2 of 4 stars). 2 submissions from 2 submitters: Benign (1); Likely benign (1). Last evaluated 2024-11-04.

Conditions:
Multiple endocrine neoplasia, type 1 (MEN1). Also called: MEN I; WERMER SYNDROME; Endocrine adenomatosis multiple; MEN 1; MEA I. Identifiers: Orphanet 652, MedGen C0025267, MeSH D018761, MONDO:0007540, OMIM 131100.

Submissions (2):

Myriad Genetics, Inc.
Classification: Benign for Multiple endocrine neoplasia, type 1. Last evaluated: 2024-11-04. Review status: criteria provided, single submitter. Criteria: Myriad Autosomal Dominant, Autosomal Recessive and X-Linked Classification Criteria (2023). Collection method: clinical testing. Allele origin: unknown.
Comment: This variant is considered benign. This variant is a silent/synonymous amino acid change and it is not expected to impact splicing.

Labcorp Genetics (formerly Invitae), Labcorp
Classification: Likely benign for Multiple endocrine neoplasia, type 1. Last evaluated: 2024-03-05. Review status: criteria provided, single submitter. Criteria: Invitae Variant Classification Sherloc (09022015). Collection method: clinical testing. Allele origin: germline.